The following is an entry in ClinVar:

ClinVar aggregate classification (germline): Uncertain significance. Review status: reviewed by expert panel (3 of 4 stars). 4 submissions from 4 submitters: Uncertain significance (1). 3 of the submissions do not count toward it. Last evaluated 2019-09-27.

Conditions:
Phenylketonuria (PKU). Also called: Phenylketonuria (PKU); FOLLING DISEASE; OLIGOPHRENIA PHENYLPYRUVICA; Phenylketonurias. Identifiers: Orphanet 716, MedGen C0031485, MONDO:0009861, OMIM 261600. Disease mechanism: loss of function.

Allele frequency attached by ClinVar (database versions not stated): gnomAD exomes below 0.00001.
gnomAD v4.1: 1 of 1,614,168 alleles (0.000062%); highest among the groups gnomAD compares: Non-Finnish European, 0.000085%; no homozygotes.

Submissions (4):

ClinGen PAH Variant Curation Expert Panel
Classification: Uncertain significance for Phenylketonuria. Last evaluated: 2019-09-27. Review status: reviewed by expert panel. Criteria: ClinGen PAH ACMG Specifications v1. Collection method: curation. Allele origin: germline. Inheritance: Autosomal recessive inheritance.
Comment: The c.637C>T (p.Leu213Phe) variant in PAH is the same amino acid change as an established pathogenic variant, c.638T>C (p.Leu213Pro) VarID:92747. (PM5). This variant is absent in population databases (PM2). This variant has not been reported in the literature to our knowledge. Multiple lines of computational evidence support a deleterious effect (PP3). In summary, this variant meets criteria to be classified as uncertain significance for PAH.

Labcorp Genetics (formerly Invitae), Labcorp
Classification: Uncertain significance for Phenylketonuria. Last evaluated: 2024-02-17. Review status: criteria provided, single submitter. Criteria: Invitae Variant Classification Sherloc (09022015). Collection method: clinical testing. Allele origin: germline. Not counted in ClinVar's aggregate classification.
Comment: This sequence change replaces leucine, which is neutral and non-polar, with phenylalanine, which is neutral and non-polar, at codon 213 of the PAH protein (p.Leu213Phe). This variant is not present in population databases (gnomAD no frequency). This variant has not been reported in the literature in individuals affected with PAH-related conditions. ClinVar contains an entry for this variant (Variation ID: 430401). Advanced modeling of protein sequence and biophysical properties (such as structural, functional, and spatial information, amino acid conservation, physicochemical variation, residue mobility, and thermodynamic stability) performed at Invitae indicates that this missense variant is not expected to disrupt PAH protein function with a negative predictive value of 80%. This variant disrupts the p.Leu213 amino acid residue in PAH. Other variant(s) that disrupt this residue have been determined to be pathogenic (PMID: 8632937, 9521426, 19292873, 22112818, 23430547). This suggests that this residue is clinically significant, and that variants that disrupt this residue are likely to be disease-causing. In summary, the available evidence is currently insufficient to determine the role of this variant in disease. Therefore, it has been classified as a Variant of Uncertain Significance.

GeneDx
Classification: Likely pathogenic. Last evaluated: 2017-05-26. Review status: criteria provided, single submitter. Criteria: GeneDx Variant Classification (06012015). Collection method: clinical testing. Allele origin: germline. Affected: yes. Not counted in ClinVar's aggregate classification.
Comment: The L213F substitution occurs at a position that is conserved across species.In silico analysis predicts this variant is probably damaging to the protein structure/function. Amissense variant at the same residue (L213P) has been reported in the Human Gene MutationDatabase in association with PKU (Stenson et al., 2014), supporting the functional importance of thisregion of the protein. In summary, we interpret L213F to be likely pathogenic.

Counsyl
Classification: Uncertain significance for Phenylketonuria. Last evaluated: 2018-02-26. Review status: no assertion criteria provided. Collection method: clinical testing. Allele origin: unknown. Not counted in ClinVar's aggregate classification.

Literature cited by the submitters: PubMed 8632937 (cited by Labcorp Genetics (formerly Invitae), Labcorp); PubMed 9521426 (cited by Labcorp Genetics (formerly Invitae), Labcorp); PubMed 19292873 (cited by Labcorp Genetics (formerly Invitae), Labcorp); PubMed 22112818 (cited by Labcorp Genetics (formerly Invitae), Labcorp); PubMed 23430547 (cited by Labcorp Genetics (formerly Invitae), Labcorp).

NM_000277.3(PAH):c.637C>T (p.Leu213Phe)

Gene: PAH (phenylalanine hydroxylase; minus strand). Cytogenetic location: 12q23.2.
Variant type: single nucleotide variant.
Coding change: c.637C>T on transcript NM_000277.3 (MANE Select); coding-DNA position 637, C replaced by T.
Protein change: p.Leu213Phe; replaces leucine 213 with phenylalanine.
Molecular consequence: missense variant.
Genome position (GRCh38, 1-based): chr12:102,855,205, G>A on the plus strand (C>T on the coding strand, the complement: PAH is on the minus strand). VCF-style: chr12-102855205-G-A. GRCh37 (hg19) VCF-style: chr12-103248983-G-A.
Other names: c.637C>T, p.Leu213Phe (NM_001354304.2); short protein forms L213F.
Identifiers: ClinVar variation 430401 (VCV000430401.9), dbSNP rs1131691945, ClinGen allele CA386296662.